The following is an entry in ClinVar:

NM_000182.5(HADHA):c.677G>A (p.Gly226Glu)

Gene: HADHA (hydroxyacyl-CoA dehydrogenase trifunctional multienzyme complex subunit alpha; minus strand). Cytogenetic location: 2p23.3.
Variant type: single nucleotide variant.
Coding change: c.677G>A on transcript NM_000182.5 (MANE Select); coding-DNA position 677, G replaced by A.
Protein change: p.Gly226Glu; replaces glycine 226 with glutamic acid.
Molecular consequence: missense variant.
Genome position (GRCh38, 1-based): chr2:26,215,175, C>T on the plus strand (G>A on the coding strand, the complement: HADHA is on the minus strand). VCF-style: chr2-26215175-C-T. GRCh37 (hg19) VCF-style: chr2-26438044-C-T.
Other names: c.677G>A (NM_000182.4); short protein forms G226E.
Identifiers: ClinVar variation 1045592 (VCV001045592.9), dbSNP rs143919136, ClinGen allele CA44338868.

ClinVar aggregate classification (germline): Uncertain significance. Review status: criteria provided, multiple submitters, no conflicts (2 of 4 stars). 3 submissions from 3 submitters: Uncertain significance (2). 1 of the submissions does not count toward it. Last evaluated 2025-01-28.

Conditions:
Mitochondrial trifunctional protein deficiency. Identifiers: Orphanet 746, MedGen C1969443, MONDO:0012172.
Long chain 3-hydroxyacyl-CoA dehydrogenase deficiency. Also called: Deficiency of long-chain 3-hydroxyacyl-coenzyme A dehydrogenase; LCHAD Deficiency. Identifiers: Orphanet 5, MedGen C3711645, MONDO:0012173, OMIM 609016.

Allele frequency attached by ClinVar (database versions not stated): gnomAD exomes below 0.00001; gnomAD 0.00002; TOPMed 0.00003; ESP Exome Variant Server 0.00008.

Submissions (3):

Labcorp Genetics (formerly Invitae), Labcorp
Classification: Uncertain significance for Mitochondrial trifunctional protein deficiency; Long chain 3-hydroxyacyl-CoA dehydrogenase deficiency. Last evaluated: 2025-01-28. Review status: criteria provided, single submitter. Criteria: Invitae Variant Classification Sherloc (09022015). Collection method: clinical testing. Allele origin: germline.
Comment: This sequence change replaces glycine, which is neutral and non-polar, with glutamic acid, which is acidic and polar, at codon 226 of the HADHA protein (p.Gly226Glu). This variant is present in population databases (rs143919136, gnomAD 0.007%). This variant has not been reported in the literature in individuals affected with HADHA-related conditions. ClinVar contains an entry for this variant (Variation ID: 1045592). An algorithm developed to predict the effect of missense changes on protein structure and function (PolyPhen-2) suggests that this variant is likely to be disruptive. In summary, the available evidence is currently insufficient to determine the role of this variant in disease. Therefore, it has been classified as a Variant of Uncertain Significance.

Women's Health and Genetics/Laboratory Corporation of America, LabCorp
Classification: Uncertain significance. Last evaluated: 2022-06-16. Review status: criteria provided, single submitter. Criteria: LabCorp Variant Classification Summary - May 2015. Collection method: clinical testing. Allele origin: germline.
Comment: Variant summary: HADHA c.677G>A (p.Gly226Glu) results in a non-conservative amino acid change in the encoded protein sequence. Five of five in-silico tools predict a damaging effect of the variant on protein function. In addition, the variant affects the 1st nucleotide of exon 8, and therefore can affect splicing. Several computational tools predict a mild impact on normal splicing: four predict the variant slightly weakens a 3' acceptor site. However, these predictions have yet to be confirmed by functional studies. The variant allele was found at a frequency of 2e-05 in 150838 control chromosomes (gnomAD v3.1, genomes dataset). The available data on variant occurrences in the general population are insufficient to allow any conclusion about variant significance. To our knowledge, no occurrence of c.677G>A in individuals affected with Long Chain 3-Hydroxyacyl-CoA Dehydrogenase Deficiency and no experimental evidence demonstrating its impact on protein function have been reported. Two clinical diagnostic laboratories have submitted clinical-significance assessments for this variant to ClinVar after 2014 without evidence for independent evaluation, and both of them classified the variant as uncertain significance. Based on the evidence outlined above, the variant was classified as uncertain significance.

Natera, Inc.
Classification: Uncertain significance for Deficiency of long-chain 3-hydroxyacyl-coenzyme A dehydrogenase. Last evaluated: 2021-04-21. Review status: no assertion criteria provided. Collection method: clinical testing. Allele origin: germline. Not counted in ClinVar's aggregate classification.